The following is an entry in ClinVar:

NM_001065.4(TNFRSF1A):c.49G>A (p.Glu17Lys)

Gene: TNFRSF1A (TNF receptor superfamily member 1A; minus strand). Cytogenetic location: 12p13.31.
Variant type: single nucleotide variant.
Coding change: c.49G>A on transcript NM_001065.4 (MANE Select); coding-DNA position 49, G replaced by A.
Protein change: p.Glu17Lys; replaces glutamic acid 17 with lysine.
Molecular consequence: missense variant. On other transcripts: 5 prime UTR variant (1), non-coding transcript variant (1), intron variant (1).
Genome position (GRCh38, 1-based): chr12:6,334,235, C>T on the plus strand (G>A on the coding strand, the complement: TNFRSF1A is on the minus strand). VCF-style: chr12-6334235-C-T. GRCh37 (hg19) VCF-style: chr12-6443401-C-T.
Other names: c.-529G>A (NM_001346092.2); c.-131-370G>A (NM_001346091.2); short protein forms E17K.
Identifiers: ClinVar variation 1450610 (VCV001450610.8), dbSNP rs1948090517, ClinGen allele CA383551281.
Genomic context (GRCh38, chr12:6,334,235, plus strand): 5'-TGTCCCCTAGGTGAGGGACCAGTCCAATAACCCCTGAGGGGTATATTCCCACCAACAGCT[C>T]CAGGAGCACCTGGGGAAGAATCAGATAGAGGAGACACCATCAAGAGAGGGAGGGATGGGA-3'
Protein context (NP_001056.1, residues 7-27): PDLLLPLVLL[Glu17Lys]LLVGIYPSGV

ClinVar aggregate classification (germline): Uncertain significance (1 of 4 stars; one submission).

Conditions:
TNF receptor-associated periodic fever syndrome (TRAPS) (FPF). Also called: FAMILIAL HIBERNIAN FEVER; TNF Receptor-Associated Periodic Fever Syndrome; TNF receptor 1-associated periodic fever syndrome; TNF RECEPTOR-ASSOCIATED PERIODIC SYNDROME; TUMOR NECROSIS FACTOR RECEPTOR-ASSOCIATED PERIODIC SYNDROME; Autosomal Dominant Familial Periodic Fever. Identifiers: Orphanet 32960, MedGen C1275126, MONDO:0007727, OMIM 142680.

Allele frequency attached by ClinVar (database versions not stated): gnomAD exomes below 0.00001; TOPMed below 0.00001.
gnomAD v4.1: 1 of 1,613,176 alleles (0.000062%); highest among the groups gnomAD compares: African/African-American, 0.0013%; no homozygotes.

Submission:

Labcorp Genetics (formerly Invitae), Labcorp
Classification: Uncertain significance for TNF receptor-associated periodic fever syndrome (TRAPS). Last evaluated: 2024-08-12. Review status: criteria provided, single submitter. Criteria: Invitae Variant Classification Sherloc (09022015). Collection method: clinical testing. Allele origin: germline.
Comment: This sequence change replaces glutamic acid, which is acidic and polar, with lysine, which is basic and polar, at codon 17 of the TNFRSF1A protein (p.Glu17Lys). This variant is not present in population databases (gnomAD no frequency). This variant has not been reported in the literature in individuals affected with TNFRSF1A-related conditions. ClinVar contains an entry for this variant (Variation ID: 1450610). Advanced modeling of protein sequence and biophysical properties (such as structural, functional, and spatial information, amino acid conservation, physicochemical variation, residue mobility, and thermodynamic stability) performed at Invitae indicates that this missense variant is not expected to disrupt TNFRSF1A protein function with a negative predictive value of 95%. In summary, the available evidence is currently insufficient to determine the role of this variant in disease. Therefore, it has been classified as a Variant of Uncertain Significance.